The following is an entry in ClinVar:

NM_000836.4(GRIN2D):c.3830C>T (p.Ser1277Leu)

Gene: GRIN2D (glutamate ionotropic receptor NMDA type subunit 2D; plus strand). Cytogenetic location: 19q13.33.
Variant type: single nucleotide variant.
Coding change: c.3830C>T on transcript NM_000836.4 (MANE Select); coding-DNA position 3830, C replaced by T.
Protein change: p.Ser1277Leu; replaces serine 1277 with leucine.
Molecular consequence: missense variant.
Genome position (GRCh38, 1-based): chr19:48,443,756, C>T. VCF-style: chr19-48443756-C-T. GRCh37 (hg19) VCF-style: chr19-48947013-C-T.
Other names: short protein forms S1277L.
Identifiers: ClinVar variation 1515482 (VCV001515482.6), dbSNP rs1971342113, ClinGen allele CA406678478.

ClinVar aggregate classification (germline): Uncertain significance (1 of 4 stars; one submission).

Allele frequency attached by ClinVar (database versions not stated): gnomAD 0.00001; gnomAD exomes 0.00001.
gnomAD v4.1: 14 of 1,427,912 alleles (0.00098%); highest among the groups gnomAD compares: Non-Finnish European, 0.0013%; no homozygotes.

Submission:

Labcorp Genetics (formerly Invitae), Labcorp
Classification: Uncertain significance. Last evaluated: 2022-02-24. Review status: criteria provided, single submitter. Criteria: Invitae Variant Classification Sherloc (09022015). Collection method: clinical testing. Allele origin: germline.
Comment: In summary, the available evidence is currently insufficient to determine the role of this variant in disease. Therefore, it has been classified as a Variant of Uncertain Significance. Advanced modeling of protein sequence and biophysical properties (such as structural, functional, and spatial information, amino acid conservation, physicochemical variation, residue mobility, and thermodynamic stability) performed at Invitae indicates that this missense variant is not expected to disrupt GRIN2D protein function. This variant has not been reported in the literature in individuals affected with GRIN2D-related conditions. This variant is not present in population databases (gnomAD no frequency). This sequence change replaces serine, which is neutral and polar, with leucine, which is neutral and non-polar, at codon 1277 of the GRIN2D protein (p.Ser1277Leu).